The following is an entry in ClinVar:

NM_001123385.2(BCOR):c.1780G>A (p.Val594Ile)

Gene: BCOR (BCL6 corepressor; minus strand). Cytogenetic location: Xp11.4.
Variant type: single nucleotide variant.
Coding change: c.1780G>A on transcript NM_001123385.2 (MANE Select); coding-DNA position 1780, G replaced by A.
Protein change: p.Val594Ile; replaces valine 594 with isoleucine.
Molecular consequence: missense variant.
Genome position (GRCh38, 1-based): chrX:40,073,566, C>T on the plus strand (G>A on the coding strand, the complement: BCOR is on the minus strand). VCF-style: chrX-40073566-C-T. GRCh37 (hg19) VCF-style: chrX-39932819-C-T.
Other names: c.1780G>A, p.Val594Ile (NM_001123383.2, NM_001123384.2, NM_017745.6); short protein forms V594I.
Identifiers: ClinVar variation 465153 (VCV000465153.1), dbSNP rs764515953, ClinGen allele CA10386882.

ClinVar aggregate classification (germline): Uncertain significance (1 of 4 stars; one submission).

Conditions:
Oculofaciocardiodental syndrome (MCOPS2). Identifiers: Orphanet 2712, MedGen C1846265, MONDO:0010261, OMIM 300166.

Allele frequency attached by ClinVar (database versions not stated): ExAC 0.00002; gnomAD exomes 0.00003 and 0.00008; TOPMed 0.00003; gnomAD 0.00004.
gnomAD v4.1: 31 of 1,211,115 alleles (0.0026%); highest among the groups gnomAD compares: East Asian, 0.053%; no homozygotes.

Submission:

Labcorp Genetics (formerly Invitae), Labcorp
Classification: Uncertain significance for Oculofaciocardiodental syndrome. Last evaluated: 2017-04-18. Review status: criteria provided, single submitter. Criteria: Invitae Variant Classification Sherloc (09022015). Collection method: clinical testing. Allele origin: germline.
Comment: This sequence change replaces valine with isoleucine at codon 594 of the BCOR protein (p.Val594Ile). The valine residue is highly conserved and there is a small physicochemical difference between valine and isoleucine. This variant is present in population databases (rs764515953, ExAC 0.03%) but has not been reported in the literature in individuals with a BCOR-related disease. Algorithms developed to predict the effect of missense changes on protein structure and function (SIFT, PolyPhen-2, Align-GVGD) all suggest that this variant is likely to be disruptive, but these predictions have not been confirmed by published functional studies. In summary, this variant is a rare missense change with uncertain impact on protein function. There is no indication that it causes disease, but the available evidence is currently insufficient to prove that conclusively. Therefore, it has been classified as a Variant of Uncertain Significance.